The following is an entry in ClinVar:

ClinVar aggregate classification (germline): Likely pathogenic. Review status: criteria provided, multiple submitters, no conflicts (2 of 4 stars). 3 submissions from 2 submitters: Likely pathogenic (3). Last evaluated 2025-07-01.

Conditions:
Generalized epilepsy with febrile seizures plus, type 2 (GEFSP2). Also called: GEFS+, TYPE 2. Identifiers: Orphanet 36387, MedGen C1858673, MONDO:0011461, OMIM 604403.
Severe myoclonic epilepsy in infancy (DRVT). Also called: Dravet syndrome; DEVELOPMENTAL AND EPILEPTIC ENCEPHALOPATHY 6A; Epileptic encephalopathy, early infantile, 6 (Dravet syndrome); Severe Myoclonic Epilepsy in Infancy (SMEI); SEVERE MYOCLONIC EPILEPSY OF INFANCY. Identifiers: Orphanet 33069, MedGen C0751122, MONDO:0100135, OMIM 607208.

Submissions (3):

Institute of Human Genetics, University of Leipzig Medical Center
Classification: Likely pathogenic for Severe myoclonic epilepsy in infancy. Last evaluated: 2025-07-01. Review status: criteria provided, single submitter. Criteria: ACMG Guidelines, 2015. Collection method: clinical testing. Allele origin: de novo. Inheritance: Autosomal dominant inheritance. Affected: yes.

3billion
Classification: Likely pathogenic for Severe myoclonic epilepsy in infancy. Last evaluated: 2021-10-02. Review status: criteria provided, single submitter. Criteria: ACMG Guidelines, 2015. Collection method: clinical testing. Allele origin: unknown. Affected: yes. Observed: 1 heterozygote.
Comment: Same nucleotide change resulting in same amino acid change has been previously reported as pathogenic/likely pathogenic with supporting evidence (ClinVar ID: VCV000982639.1, PS1_P). The missense variant is located in a mutational hot spot and/or well-established functional domain in which established pathogenic variants have been reported (PM1). It is not observed in the gnomAD v2.1.1 dataset (PM2). In silico tool predictions suggest damaging effect of the variant on gene or gene product (REVEL: 0.926, 3Cnet: 0.991, PP3). Therefore, this variant is classified as likely pathogenic according to the recommendation of ACMG/AMP guideline.

Institute of Human Genetics, University of Leipzig Medical Center
Classification: Likely pathogenic for Generalized epilepsy with febrile seizures plus, type 2. Last evaluated: 2019-01-01. Review status: criteria provided, single submitter. Criteria: ACMG Guidelines, 2015. Collection method: clinical testing. Allele origin: de novo. Affected: yes.
Comment: This variant was identified as de novo.

NM_001165963.4(SCN1A):c.629G>A (p.Gly210Asp)

Gene: SCN1A (sodium voltage-gated channel alpha subunit 1; minus strand). Cytogenetic location: 2q24.3.
Variant type: single nucleotide variant.
Coding change: c.629G>A on transcript NM_001165963.4 (MANE Select); coding-DNA position 629, G replaced by A.
Protein change: p.Gly210Asp; replaces glycine 210 with aspartic acid.
Molecular consequence: missense variant. On other transcripts: 5 prime UTR variant (1), non-coding transcript variant (1).
Genome position (GRCh38, 1-based): chr2:166,052,917, C>T on the plus strand (G>A on the coding strand, the complement: SCN1A is on the minus strand). VCF-style: chr2-166052917-C-T. GRCh37 (hg19) VCF-style: chr2-166909427-C-T.
Other names: c.629G>A, p.Gly210Asp (NM_001165964.3, NM_001202435.3, NM_001353948.2 and 10 more transcripts); c.-1797G>A (NM_001353961.2); short protein forms G210D.
Identifiers: ClinVar variation 982639 (VCV000982639.3), dbSNP rs1698747852, ClinGen allele CA349074304.